The following is an entry in ClinVar:

NM_153700.2(STRC):c.274C>T (p.Arg92Trp)

Gene: STRC (stereocilin; minus strand). Cytogenetic location: 15q15.3.
Variant type: single nucleotide variant.
Coding change: c.274C>T on transcript NM_153700.2 (MANE Select); coding-DNA position 274, C replaced by T.
Protein change: p.Arg92Trp; replaces arginine 92 with tryptophan.
Molecular consequence: missense variant.
Genome position (GRCh38, 1-based): chr15:43,618,147, G>A on the plus strand (C>T on the coding strand, the complement: STRC is on the minus strand). VCF-style: chr15-43618147-G-A. GRCh37 (hg19) VCF-style: chr15-43910345-G-A.
Other names: short protein forms R92W.
Identifiers: ClinVar variation 440309 (VCV000440309.10), dbSNP rs1484849703, ClinGen allele CA392186414.

ClinVar aggregate classification (germline): Uncertain significance. Review status: criteria provided, multiple submitters, no conflicts (2 of 4 stars). 3 submissions from 3 submitters: Uncertain significance (3). Last evaluated 2019-06-07.

Conditions:
Autosomal recessive nonsyndromic hearing loss 16. Also called: DFNB16 Nonsyndromic Hearing Loss and Deafness; DEAFNESS, AUTOSOMAL RECESSIVE 16. Identifiers: Orphanet 90636, MedGen C1863561, MONDO:0011364, OMIM 603720.

Allele frequency attached by ClinVar (database versions not stated): 1000 Genomes Project 30x 0.00016.

Submissions (3):

Baylor Genetics
Classification: Uncertain significance for Autosomal recessive nonsyndromic hearing loss 16. Last evaluated: 2019-06-07. Review status: criteria provided, single submitter. Criteria: ACMG Guidelines, 2015. Collection method: clinical testing. Allele origin: unknown. Affected: yes.
Comment: This variant was determined to be of uncertain significance according to ACMG Guidelines, 2015 [PMID:25741868].

ARUP Laboratories, Molecular Genetics and Genomics, ARUP Laboratories
Classification: Uncertain significance. Last evaluated: 2017-05-02. Review status: criteria provided, single submitter. Criteria: ARUP Molecular Germline Variant Investigation Process. Collection method: clinical testing. Allele origin: germline.
Comment: The p.Arg92Trp variant has not been reported in the medical literature, gene specific variation databases, nor has it been previously identified by our laboratory. This variant is listed in the genome Aggregation database with an overall population frequency of 0.003 percent (identified on 5 out of 144,822 chromosomes). The arginine at position 92 is moderately conserved (Alamut v.2.9.0) and computational analyses of the effects of the p.Arg92Trp variant on protein structure and function predict a deleterious effect (SIFT: damaging, MutationTaster: disease causing, PolyPhen-2: probably damaging). Altogether, there is not enough evidence to classify the p.Arg92Trp variant with certainty.

Genome-Nilou Lab
Classification: Uncertain significance for Autosomal recessive nonsyndromic hearing loss 16. Review status: criteria provided, single submitter. Criteria: ACMG Guidelines, 2015. Collection method: clinical testing. Allele origin: germline.